The following is an entry in ClinVar:

NM_001386795.1(DTNA):c.2223T>G (p.Ser741=)

Gene: DTNA (dystrobrevin alpha; plus strand). Cytogenetic location: 18q12.1.
Variant type: single nucleotide variant.
Coding change: c.2223T>G on transcript NM_001386795.1 (MANE Select); coding-DNA position 2223, T replaced by G.
Protein change: p.Ser741=; no amino-acid change (serine 741 retained).
Molecular consequence: synonymous variant.
Genome position (GRCh38, 1-based): chr18:34,882,129, T>G. VCF-style: chr18-34882129-T-G. GRCh37 (hg19) VCF-style: chr18-32462093-T-G.
Other names: c.1962T>G, p.Ser654= (NM_001198938.2, NM_001198940.2, NM_001386753.1 and 5 more transcripts); c.1983T>G, p.Ser661= (NM_001198939.2); c.1269T>G, p.Ser423= (NM_001198942.1); c.1212T>G, p.Ser404= (NM_001198943.1); c.1098T>G, p.Ser366= (NM_001198944.1); c.2052T>G, p.Ser684= (NM_001386754.1, NM_001386755.1, NM_001386756.1 and 3 more transcripts); c.2049T>G, p.Ser683= (NM_001386760.1); c.1971T>G, p.Ser657= (NM_001386761.1, NM_032975.4); and 5 more.
Identifiers: ClinVar variation 392174 (VCV000392174.1), dbSNP rs1057524382, ClinGen allele CA16607581.

ClinVar aggregate classification (germline): Likely benign (1 of 4 stars; one submission).

Submission:

GeneDx
Classification: Likely benign. Last evaluated: 2016-12-27. Review status: criteria provided, single submitter. Criteria: GeneDx Variant Classification (06012015). Collection method: clinical testing. Allele origin: germline. Affected: yes.
Comment: This variant is considered likely benign or benign based on one or more of the following criteria: it is a conservative change, it occurs at a poorly conserved position in the protein, it is predicted to be benign by multiple in silico algorithms, and/or has population frequency not consistent with disease.